The following is an entry in ClinVar:

NM_001267550.2(TTN):c.34035del (p.Pro11346fs)

Gene: TTN (titin; minus strand). Cytogenetic location: 2q31.2.
Variant type: Deletion.
Coding change: c.34035del on transcript NM_001267550.2 (MANE Select); coding-DNA position 34035, one base deleted (A; older notation c.34035delA).
Protein change: p.Pro11346fs; shifts the reading frame from proline 11346.
Molecular consequence: frameshift variant. On other transcripts: intron variant (3).
Genome position (GRCh38, 1-based): chr2:178,677,877, T deleted on the plus strand (A on the coding strand, the reverse complement: TTN is on the minus strand). VCF-style (leftmost placement, unchanged base first): chr2-178677876-GT-G. GRCh37 (hg19) VCF-style: chr2-179542603-GT-G.
Other names: c.33084del, p.Pro11029fs (NM_001256850.1); c.30303del, p.Pro10102fs (NM_133378.4); c.13283-35560del (NM_003319.4); c.13859-35560del (NM_133437.4); c.13658-35560del (NM_133432.3); short protein forms P10102fs, P11029fs, P11346fs.
Identifiers: ClinVar variation 3759684 (VCV003759684.2).

ClinVar aggregate classification (germline): Likely pathogenic (1 of 4 stars; one submission).

Conditions:
Dilated cardiomyopathy 1G (CMD1G). Identifiers: Orphanet 154, MedGen C1858763, MONDO:0011400, OMIM 604145.
Autosomal recessive limb-girdle muscular dystrophy type 2J (LGMDR10). Also called: Limb-girdle muscular dystrophy, type 2J; MUSCULAR DYSTROPHY, LIMB-GIRDLE, AUTOSOMAL RECESSIVE 10. Identifiers: Orphanet 140922, MedGen C1837342, MONDO:0012127, OMIM 608807.

Submission:

Labcorp Genetics (formerly Invitae), Labcorp
Classification: Likely pathogenic for Dilated cardiomyopathy 1G; Autosomal recessive limb-girdle muscular dystrophy type 2J. Last evaluated: 2024-12-26. Review status: criteria provided, single submitter. Criteria: Invitae Variant Classification Sherloc (09022015). Collection method: clinical testing. Allele origin: germline.
Comment: This sequence change creates a premature translational stop signal (p.Pro11346Leufs*122) in the TTN gene. While this is not anticipated to result in nonsense mediated decay, it is expected to create a truncated TTN protein. This variant is not present in population databases (gnomAD no frequency). This variant has not been reported in the literature in individuals affected with TTN-related conditions. This variant is located in the I band of TTN (PMID: 25589632). Truncating variants in this region have been reported in individuals affected with autosomal recessive centronuclear myopathy (PMID: 23975875, internal data). Truncating variants in this region have also been identified in individuals affected with autosomal dominant dilated cardiomyopathy and/or cardio-related conditions (PMID: 27869827, 32964742, internal data). In summary, the currently available evidence indicates that the variant is pathogenic, but additional data are needed to prove that conclusively. Therefore, this variant has been classified as Likely Pathogenic.

Literature cited by the submitters: PubMed 25589632; PubMed 23975875; PubMed 27869827; PubMed 32964742.